The following is an entry in ClinVar:

NM_152296.5(ATP1A3):c.724G>C (p.Gly242Arg)

Gene: ATP1A3 (ATPase Na+/K+ transporting subunit alpha 3; minus strand). Cytogenetic location: 19q13.2.
Variant type: single nucleotide variant.
Coding change: c.724G>C on transcript NM_152296.5 (MANE Select); coding-DNA position 724, G replaced by C.
Protein change: p.Gly242Arg; replaces glycine 242 with arginine.
Molecular consequence: missense variant.
Genome position (GRCh38, 1-based): chr19:41,985,306, C>G on the plus strand (G>C on the coding strand, the complement: ATP1A3 is on the minus strand). VCF-style: chr19-41985306-C-G. GRCh37 (hg19) VCF-style: chr19-42489458-C-G.
Other names: c.757G>C, p.Gly253Arg (NM_001256213.2); c.763G>C, p.Gly255Arg (NM_001256214.2); short protein forms G242R, G253R, G255R.
Identifiers: ClinVar variation 3372577 (VCV003372577.1).
Genomic context (GRCh38, chr19:41,985,306, plus strand): 5'-CCCCCTGGGACACATCCCTGTGTCTGCCCCAGCTGTGTGTCTTCTCTGCACCCGCCTCAC[C>G]TTCCACACAGTTGGTGGAAAAGAAGGTGATGTTCCGAGTCTCCAAGGGGTTGTCGTGAGT-3'
Protein context (NP_689509.1, residues 232-252): ITFFSTNCVE[Gly242Arg]TARGVVVATG

ClinVar aggregate classification (germline): Uncertain significance (1 of 4 stars; one submission).

Submission:

GeneDx
Classification: Uncertain significance. Last evaluated: 2024-04-24. Review status: criteria provided, single submitter. Criteria: GeneDx Variant Classification Process June 2021. Collection method: clinical testing. Allele origin: germline. Affected: yes.
Comment: Not observed at significant frequency in large population cohorts (gnomAD); Alters the last nucleotide of the exon and is predicted to destroy the splice donor site and result in aberrant splicing, although in the absence of functional evidence the actual effect of this sequence change is unknown; In silico analysis supports that this missense variant has a deleterious effect on protein structure/function; Has not been previously published as pathogenic or benign to our knowledge